The following is an entry in ClinVar:

NM_001987.5(ETV6):c.608C>G (p.Ser203Cys)

Gene: ETV6 (ETS variant transcription factor 6; plus strand). Cytogenetic location: 12p13.2.
Variant type: single nucleotide variant.
Coding change: c.608C>G on transcript NM_001987.5 (MANE Select); coding-DNA position 608, C replaced by G.
Protein change: p.Ser203Cys; replaces serine 203 with cysteine.
Molecular consequence: missense variant.
Genome position (GRCh38, 1-based): chr12:11,869,568, C>G. VCF-style: chr12-11869568-C-G. GRCh37 (hg19) VCF-style: chr12-12022502-C-G.
Other names: c.605C>G, p.Ser202Cys (NM_001413913.1); c.581C>G, p.Ser194Cys (NM_001413914.1); c.344C>G, p.Ser115Cys (NM_001413915.1); c.608C>G, p.Ser203Cys (NM_001413916.1, NM_001413917.1); short protein forms S115C, S194C, S202C, S203C.
Identifiers: ClinVar variation 4618844 (VCV004618844.1).
Genomic context (GRCh38, chr12:11,869,568, plus strand): 5'-GGTCACCTATCACGACAAATCACCGGCCTTCTCCTGACCCCGAGCAGCGGCCCCTCCGGT[C>G]CCCCCTGGACAACATGATCCGCCGCCTCTCCCCGGCTGAGAGAGCTCAGGGACCCAGGCC-3'
Protein context (NP_001978.1, residues 193-213): SPDPEQRPLR[Ser203Cys]PLDNMIRRLS

ClinVar aggregate classification (germline): Uncertain significance (1 of 4 stars; one submission).

Conditions:
Inborn genetic diseases. Identifiers: MedGen C0950123, MeSH D030342.

Submission:

Ambry Genetics
Classification: Uncertain significance for Inborn genetic diseases. Last evaluated: 2025-09-26. Review status: criteria provided, single submitter. Criteria: Ambry Variant Classification Scheme 2023. Collection method: clinical testing. Allele origin: germline.
Comment: The p.S203C variant (also known as c.608C>G), located in coding exon 5 of the ETV6 gene, results from a C to G substitution at nucleotide position 608. The serine at codon 203 is replaced by cysteine, an amino acid with dissimilar properties. This amino acid position is conserved. In addition, this alteration is predicted to be tolerated by in silico analysis. Based on the available evidence, the clinical significance of this variant remains unclear.